The following is an entry in ClinVar:

NM_000097.7(CPOX):c.706T>C (p.Leu236=)

Gene: CPOX (coproporphyrinogen oxidase; minus strand). Cytogenetic location: 3q11.2.
Variant type: single nucleotide variant.
Coding change: c.706T>C on transcript NM_000097.7 (MANE Select); coding-DNA position 706, T replaced by C.
Protein change: p.Leu236=; no amino-acid change (leucine 236 retained).
Molecular consequence: synonymous variant.
Genome position (GRCh38, 1-based): chr3:98,590,737, A>G on the plus strand (T>C on the coding strand, the complement: CPOX is on the minus strand). VCF-style: chr3-98590737-A-G. GRCh37 (hg19) VCF-style: chr3-98309581-A-G.
Identifiers: ClinVar variation 2654000 (VCV002654000.24), dbSNP rs758073812, ClinGen allele CA2511630.

ClinVar aggregate classification (germline): Likely benign (1 of 4 stars; one submission).

Allele frequency attached by ClinVar (database versions not stated): gnomAD exomes below 0.00001; TOPMed below 0.00001; ExAC 0.00001.
gnomAD v4.1: 2 of 1,609,290 alleles (0.00012%); highest among the groups gnomAD compares: South Asian, 0.0011%; no homozygotes.

Submission:

CeGaT Center for Human Genetics Tuebingen
Classification: Likely benign. Last evaluated: 2022-10-01. Review status: criteria provided, single submitter. Criteria: CeGaT Center For Human Genetics Tuebingen Variant Classification Criteria Version 2. Collection method: clinical testing. Allele origin: germline. Affected: yes. Observed: 1 variant allele.
Comment: CPOX: BP4, BP7